The following is an entry in ClinVar:

NM_000384.3(APOB):c.4207A>G (p.Asn1403Asp)

Gene: APOB (apolipoprotein B; minus strand). Cytogenetic location: 2p24.1.
Variant type: single nucleotide variant.
Coding change: c.4207A>G on transcript NM_000384.3 (MANE Select); coding-DNA position 4207, A replaced by G.
Protein change: p.Asn1403Asp; replaces asparagine 1403 with aspartic acid.
Molecular consequence: missense variant.
Genome position (GRCh38, 1-based): chr2:21,013,169, T>C on the plus strand (A>G on the coding strand, the complement: APOB is on the minus strand). VCF-style: chr2-21013169-T-C. GRCh37 (hg19) VCF-style: chr2-21236041-T-C.
Other names: short protein forms N1403D.
Identifiers: ClinVar variation 3416209 (VCV003416209.1).

ClinVar aggregate classification (germline): Uncertain significance (1 of 4 stars; one submission).

Conditions:
Cardiovascular phenotype. Identifiers: MedGen CN230736.

gnomAD v4.1: 1 of 1,613,696 alleles (0.000062%); highest among the groups gnomAD compares: African/African-American, 0.0013%; no homozygotes.

Submission:

Ambry Genetics
Classification: Uncertain significance for Cardiovascular phenotype. Last evaluated: 2024-10-14. Review status: criteria provided, single submitter. Criteria: Ambry Variant Classification Scheme 2023. Collection method: clinical testing. Allele origin: germline.
Comment: The p.N1403D variant (also known as c.4207A>G), located in coding exon 25 of the APOB gene, results from an A to G substitution at nucleotide position 4207. The asparagine at codon 1403 is replaced by aspartic acid, an amino acid with highly similar properties. This amino acid position is conserved. In addition, this alteration is predicted to be tolerated by in silico analysis. Based on the available evidence, the clinical significance of this variant remains unclear.